The following is an entry in ClinVar:

NM_015001.3(SPEN):c.3513A>G (p.Lys1171=)

Gene: SPEN (spen family transcriptional repressor; plus strand). Cytogenetic location: 1p36.13.
Variant type: single nucleotide variant.
Coding change: c.3513A>G on transcript NM_015001.3 (MANE Select); coding-DNA position 3513, A replaced by G.
Protein change: p.Lys1171=; no amino-acid change (lysine 1171 retained).
Molecular consequence: synonymous variant.
Genome position (GRCh38, 1-based): chr1:15,929,753, A>G. VCF-style: chr1-15929753-A-G. GRCh37 (hg19) VCF-style: chr1-16256248-A-G.
Identifiers: ClinVar variation 2638314 (VCV002638314.24), dbSNP rs2523077677, ClinGen allele CA416379587.

ClinVar aggregate classification (germline): Likely benign (1 of 4 stars; one submission).

Submission:

CeGaT Center for Human Genetics Tuebingen
Classification: Likely benign. Last evaluated: 2022-07-01. Review status: criteria provided, single submitter. Criteria: CeGaT Center For Human Genetics Tuebingen Variant Classification Criteria Version 2. Collection method: clinical testing. Allele origin: germline. Affected: yes. Observed: 1 variant allele.
Comment: SPEN: PM2:Supporting, BP4, BP7